The following is an entry in ClinVar:

ClinVar aggregate classification (germline): Uncertain significance (1 of 4 stars; one submission).

Allele frequency attached by ClinVar (database versions not stated): gnomAD exomes below 0.00001.

Submission:

Labcorp Genetics (formerly Invitae), Labcorp
Classification: Uncertain significance. Last evaluated: 2024-02-14. Review status: criteria provided, single submitter. Criteria: Invitae Variant Classification Sherloc (09022015). Collection method: clinical testing. Allele origin: germline.
Comment: This sequence change replaces proline, which is neutral and non-polar, with arginine, which is basic and polar, at codon 252 of the BCL11B protein (p.Pro252Arg). This variant is not present in population databases (gnomAD no frequency). This variant has not been reported in the literature in individuals affected with BCL11B-related conditions. ClinVar contains an entry for this variant (Variation ID: 2191252). An algorithm developed to predict the effect of missense changes on protein structure and function (PolyPhen-2) suggests that this variant is likely to be tolerated. In summary, the available evidence is currently insufficient to determine the role of this variant in disease. Therefore, it has been classified as a Variant of Uncertain Significance.

NM_138576.4(BCL11B):c.755C>G (p.Pro252Arg)

Gene: BCL11B (BCL11 transcription factor B; minus strand). Cytogenetic location: 14q32.2.
Variant type: single nucleotide variant.
Coding change: c.755C>G on transcript NM_138576.4 (MANE Select); coding-DNA position 755, C replaced by G.
Protein change: p.Pro252Arg; replaces proline 252 with arginine.
Molecular consequence: missense variant.
Genome position (GRCh38, 1-based): chr14:99,176,081, G>C on the plus strand (C>G on the coding strand, the complement: BCL11B is on the minus strand). VCF-style: chr14-99176081-G-C. GRCh37 (hg19) VCF-style: chr14-99642418-G-C.
Other names: c.752C>G, p.Pro251Arg (NM_001282237.2); c.539C>G, p.Pro180Arg (NM_001282238.2); c.542C>G, p.Pro181Arg (NM_022898.3); short protein forms P180R, P181R, P252R, P251R.
Identifiers: ClinVar variation 2191252 (VCV002191252.4), dbSNP rs916438442, ClinGen allele CA266106428.